The following is an entry in ClinVar:

NM_001130987.2(DYSF):c.356del (p.Val119fs)

Gene: DYSF (dysferlin; plus strand). Cytogenetic location: 2p13.2.
Variant type: Deletion.
Coding change: c.356del on transcript NM_001130987.2 (MANE Select); coding-DNA position 356, one base deleted (T; older notation c.356delT).
Protein change: p.Val119fs; shifts the reading frame from valine 119.
Molecular consequence: frameshift variant.
Genome position (GRCh38, 1-based): chr2:71,511,817, T deleted. VCF-style (leftmost placement, unchanged base first): chr2-71511816-GT-G. GRCh37 (hg19) VCF-style: chr2-71738946-GT-G.
Other names: c.356del, p.Val119fs (NM_001130455.2, NM_001130982.2, NM_001130983.2 and 3 more transcripts); c.353del, p.Val118fs (NM_001130976.2, NM_001130977.2, NM_001130978.2 and 4 more transcripts); c.353delT (NM_003494.4); short protein forms V119fs, V118fs.
Identifiers: ClinVar variation 94308 (VCV000094308.65), dbSNP rs398123782, ClinGen allele CA222158.
Genomic context (GRCh38, chr2:71,511,816, plus strand): 5'-GTGGTCCGAGGCCAGCGCACCAACCTGTCCCCCACGTCTCATCTCTTCCAGGCCTCGCTG[GT>G]CCTGCAGGTGTCCTACACACCGCTGCCTGGAGCTGTGCCCCTGTTCCCGCCCCCTACTCC-3'

ClinVar aggregate classification (germline): Pathogenic. Review status: criteria provided, multiple submitters, no conflicts (2 of 4 stars). 12 submissions from 12 submitters: Pathogenic (10). 2 of the submissions do not count toward it. Last evaluated 2025-12-01.

Conditions:
Autosomal recessive limb-girdle muscular dystrophy. Identifiers: Orphanet 102015, MedGen C2931907, MONDO:0015152.
Distal myopathy with anterior tibial onset. Identifiers: Orphanet 178400, MedGen C1847532, MONDO:0011721, OMIM 606768.
Miyoshi muscular dystrophy 1 (MMD1). Identifiers: Orphanet 45448, MedGen C4551973, MONDO:0024545, OMIM 254130.
Autosomal recessive limb-girdle muscular dystrophy type 2B (LGMDR2). Also called: MUSCULAR DYSTROPHY, LIMB-GIRDLE, TYPE 3; MUSCULAR DYSTROPHY, LIMB-GIRDLE, AUTOSOMAL RECESSIVE 2; Limb-girdle muscular dystrophy, type 2B; Limb-Girdle Muscular Dystrophy Type 2B (LGMD2B). Identifiers: Orphanet 268, MedGen C1850889, MONDO:0009676, OMIM 253601.
Neuromuscular disease caused by qualitative or quantitative defects of dysferlin. Also called: Qualitative or quantitative defects of dysferlin; Dysferlinopathy. Identifiers: Orphanet 207073, MedGen C2931687, MONDO:0016145.

Allele frequency attached by ClinVar (database versions not stated): gnomAD 0.00001; gnomAD exomes 0.00001 and 0.00005; TOPMed 0.00001.

Submissions (12):

CeGaT Center for Human Genetics Tuebingen
Classification: Pathogenic. Last evaluated: 2025-12-01. Review status: criteria provided, single submitter. Criteria: CeGaT Center For Human Genetics Tuebingen Variant Classification Criteria Version 2. Collection method: clinical testing. Allele origin: germline. Affected: yes. Observed: 3 variant alleles.
Comment: DYSF: PVS1, PM2, PM3

Natera, Inc.
Classification: Pathogenic for Limb-girdle muscular dystrophy type 2B. Last evaluated: 2025-10-10. Review status: criteria provided, single submitter. Criteria: Natera Variant Classification Schema (03/2026). Collection method: clinical testing. Allele origin: germline.
Comment: The c.353delT variant in DYSF is a frameshift variant predicted to shift the reading frame beginning at codon 118 and leads to a stop codon 33 codons downstream. This variant is expected to result in nonsense mediated decay, truncation, or a dysfunctional protein product. This variant is rare in the general population with a frequency below the threshold expected for the associated phenotype(s). This variant has been observed in one or more individuals affected with the associated recessive disease, as either homozygous or compound heterozygous with a second variant (PMID: 24488599). Given the available evidence, this variant is classified as Pathogenic.

Revvity Omics, Revvity
Classification: Pathogenic. Last evaluated: 2024-12-29. Review status: criteria provided, single submitter. Criteria: ACMG Guidelines, 2015. Collection method: clinical testing. Allele origin: germline.

Women's Health and Genetics/Laboratory Corporation of America, LabCorp
Classification: Pathogenic for Autosomal recessive limb-girdle muscular dystrophy. Last evaluated: 2024-05-07. Review status: criteria provided, single submitter. Criteria: LabCorp Variant Classification Summary - May 2015. Collection method: clinical testing. Allele origin: germline.
Comment: Variant summary: DYSF c.353delT (p.Val118AlafsX33) results in a premature termination codon, predicted to cause absence of the protein due to nonsense mediated decay, which is a commonly known mechanism for disease. The variant allele was found at a frequency of 1.3e-05 in 156358 control chromosomes. c.353delT has been reported in the literature in at-least one individual affected with Dysferlinopathies (example, Ankala_2014). To our knowledge, no experimental evidence demonstrating an impact on protein function has been reported. The following publication have been ascertained in the context of this evaluation (PMID: 24488599). ClinVar contains an entry for this variant (Variation ID: 94308). Based on the evidence outlined above, the variant was classified as pathogenic.

Labcorp Genetics (formerly Invitae), Labcorp
Classification: Pathogenic for Neuromuscular disease caused by qualitative or quantitative defects of dysferlin. Last evaluated: 2024-05-02. Review status: criteria provided, single submitter. Criteria: Invitae Variant Classification Sherloc (09022015). Collection method: clinical testing. Allele origin: germline.
Comment: This sequence change creates a premature translational stop signal (p.Val118Alafs*33) in the DYSF gene. It is expected to result in an absent or disrupted protein product. Loss-of-function variants in DYSF are known to be pathogenic (PMID: 17698709, 20301480). This variant is present in population databases (rs398123782, gnomAD 0.004%). This premature translational stop signal has been observed in individual(s) with DYSF-related conditions (PMID: 20544924, 21484829, 29382405). ClinVar contains an entry for this variant (Variation ID: 94308). For these reasons, this variant has been classified as Pathogenic.

Baylor Genetics
Classification: Pathogenic for Miyoshi muscular dystrophy 1. Last evaluated: 2024-03-04. Review status: criteria provided, single submitter. Criteria: ACMG Guidelines, 2015. Collection method: clinical testing. Allele origin: unknown.

Fulgent Genetics
Classification: Pathogenic for Autosomal recessive limb-girdle muscular dystrophy type 2B; Miyoshi muscular dystrophy 1; Distal myopathy with anterior tibial onset. Last evaluated: 2021-11-02. Review status: criteria provided, single submitter. Criteria: ACMG Guidelines, 2015. Collection method: clinical testing. Allele origin: unknown.

GeneDx
Classification: Pathogenic. Last evaluated: 2018-02-05. Review status: criteria provided, single submitter. Criteria: GeneDx Variant Classification (06012015). Collection method: clinical testing. Allele origin: germline. Affected: yes.
Comment: The c.353delT pathogenic variant in the DYSF gene has been previously reported in multiple individuals with DYSF-related disorders who harbor an additional DYSF variant (Rosales et al., 2010; Walsh et al., 2011). This variant is not observed at a significant frequency in large population cohorts (Lek et al., 2016). The c.353delT variant causes a frameshift starting with codon Valine 118, changes this amino acid to a Alanine residue, and creates a premature stop codon at position 33 of the new reading frame, denoted p.Val118AlafsX33. This variant is predicted to cause loss of normal protein function either through protein truncation or nonsense-mediated mRNA decay.

Athena Diagnostics
Classification: Pathogenic for Limb-girdle muscular dystrophy, type 2B. Last evaluated: 2014-06-11. Review status: criteria provided, single submitter. Criteria: Athena Diagnostics Criteria. Collection method: clinical testing. Allele origin: germline. Inheritance: Autosomal recessive inheritance.

Eurofins Ntd Llc (ga)
Classification: Pathogenic. Last evaluated: 2012-10-11. Review status: criteria provided, single submitter. Criteria: EGL Classification Definitions. Collection method: clinical testing. Allele origin: germline. Observed: 1 variant allele, 1 heterozygote.

Counsyl
Classification: Pathogenic for Autosomal recessive limb-girdle muscular dystrophy type 2B. Last evaluated: 2017-03-15. Review status: no assertion criteria provided. Collection method: clinical testing. Allele origin: unknown. Not counted in ClinVar's aggregate classification.

Genomics England Pilot Project, Genomics England
Classification: Likely pathogenic for Autosomal recessive limb-girdle muscular dystrophy type 2B. Review status: no assertion criteria provided. Criteria: ACGS Guidelines, 2016. Collection method: clinical testing. Allele origin: germline. Affected: yes. Not counted in ClinVar's aggregate classification.

Literature cited by the submitters: PubMed 24488599 (cited by Natera, Inc. and Women's Health and Genetics/Laboratory Corporation of America, LabCorp); PubMed 17698709 (cited by Labcorp Genetics (formerly Invitae), Labcorp); PubMed 20301480 (cited by Labcorp Genetics (formerly Invitae), Labcorp); PubMed 20544924 (cited by 3 submitters); PubMed 21484829 (cited by Labcorp Genetics (formerly Invitae), Labcorp); PubMed 29382405 (cited by Labcorp Genetics (formerly Invitae), Labcorp); PubMed 27602406 (cited by Counsyl).